The following is an entry in ClinVar:

ClinVar aggregate classification (germline): Uncertain significance. Review status: criteria provided, multiple submitters, no conflicts (2 of 4 stars). 2 submissions from 2 submitters: Uncertain significance (2). Last evaluated 2025-06-04.

Conditions:
Frontotemporal dementia and/or amyotrophic lateral sclerosis 6 (FTDALS6). Also called: VCP-Related Amyotrophic Lateral Sclerosis; VCP-Related Amyotrophic Lateral Sclerosis/Frontotemporal Dementia. Identifiers: Orphanet 275872, Orphanet 803, MedGen C5436279, MONDO:0013501, OMIM 613954.
Inclusion body myopathy with Paget disease of bone and frontotemporal dementia. Also called: Inclusion body myopathy with early-onset Paget disease and frontotemporal dementia. Identifiers: Orphanet 52430, MedGen C1833662, MONDO:0000507.

Allele frequency attached by ClinVar (database versions not stated): gnomAD exomes below 0.00001; gnomAD 0.00001; TOPMed 0.00004.
gnomAD v4.1: 7 of 1,614,036 alleles (0.00043%); highest among the groups gnomAD compares: Admixed American, 0.0033%; no homozygotes.

Submissions (2):

Labcorp Genetics (formerly Invitae), Labcorp
Classification: Uncertain significance for Inclusion body myopathy with Paget disease of bone and frontotemporal dementia; Frontotemporal dementia and/or amyotrophic lateral sclerosis 6. Last evaluated: 2025-06-04. Review status: criteria provided, single submitter. Criteria: Invitae Variant Classification Sherloc (09022015). Collection method: clinical testing. Allele origin: germline.
Comment: This sequence change replaces arginine, which is basic and polar, with tryptophan, which is neutral and slightly polar, at codon 25 of the VCP protein (p.Arg25Trp). This variant is not present in population databases (gnomAD no frequency). This missense change has been observed in individual(s) with amyotrophic lateral sclerosis (internal data). ClinVar contains an entry for this variant (Variation ID: 1436607). Invitae Evidence Modeling of protein sequence and biophysical properties (such as structural, functional, and spatial information, amino acid conservation, physicochemical variation, residue mobility, and thermodynamic stability) indicates that this missense variant is not expected to disrupt VCP protein function with a negative predictive value of 95%. In summary, the available evidence is currently insufficient to determine the role of this variant in disease. Therefore, it has been classified as a Variant of Uncertain Significance.

Revvity Omics, Revvity
Classification: Uncertain significance. Last evaluated: 2022-01-03. Review status: criteria provided, single submitter. Criteria: ACMG Guidelines, 2015. Collection method: clinical testing. Allele origin: germline.

NM_007126.5(VCP):c.73C>T (p.Arg25Trp)

Gene: VCP (valosin containing protein; minus strand). Cytogenetic location: 9p13.3.
Variant type: single nucleotide variant.
Coding change: c.73C>T on transcript NM_007126.5 (MANE Select); coding-DNA position 73, C replaced by T.
Protein change: p.Arg25Trp; replaces arginine 25 with tryptophan.
Molecular consequence: missense variant. On other transcripts: 5 prime UTR variant (2).
Genome position (GRCh38, 1-based): chr9:35,068,307, G>A on the plus strand (C>T on the coding strand, the complement: VCP is on the minus strand). VCF-style: chr9-35068307-G-A. GRCh37 (hg19) VCF-style: chr9-35068304-G-A.
Other names: c.-63C>T (NM_001354927.2, NM_001354928.2); short protein forms R25W.
Identifiers: ClinVar variation 1436607 (VCV001436607.9), dbSNP rs920962883, ClinGen allele CA192683344.